The following is an entry in ClinVar:

NM_004984.4(KIF5A):c.2134C>T (p.Arg712Trp)

Gene: KIF5A (kinesin family member 5A; plus strand). Cytogenetic location: 12q13.3.
Variant type: single nucleotide variant.
Coding change: c.2134C>T on transcript NM_004984.4 (MANE Select); coding-DNA position 2134, C replaced by T.
Protein change: p.Arg712Trp; replaces arginine 712 with tryptophan.
Molecular consequence: missense variant.
Genome position (GRCh38, 1-based): chr12:57,576,314, C>T. VCF-style: chr12-57576314-C-T. GRCh37 (hg19) VCF-style: chr12-57970097-C-T.
Other names: c.2134C>T (NM_004984.2); c.1867C>T, p.Arg623Trp (NM_001354705.2); short protein forms R712W, R623W.
Identifiers: ClinVar variation 1395366 (VCV001395366.21), dbSNP rs779614400, ClinGen allele CA6653014.
Genomic context (GRCh38, chr12:57,576,314, plus strand): 5'-TGGGGTTGTTTGCAGAAGGCTCTGGAGCTGCAGATGGAGAGTCACCGGGAGGCCCATCAC[C>T]GGCAGCTGGCCCGGCTCCGGGACGAGATCAACGAGAAGCAGAAGACCATTGATGAGCTCA-3'
Protein context (NP_004975.2, residues 702-722): QMESHREAHH[Arg712Trp]QLARLRDEIN

ClinVar aggregate classification (germline): Conflicting classifications of pathogenicity. Review status: criteria provided, conflicting classifications (1 of 4 stars). 4 submissions from 4 submitters: Uncertain significance (3); Likely benign (1). Last evaluated 2025-10-22.

Conditions:
Inborn genetic diseases. Identifiers: MedGen C0950123, MeSH D030342.
Spastic paraplegia. Identifiers: MedGen C0037772, HP:0001258.

Allele frequency attached by ClinVar (database versions not stated): TOPMed below 0.00001; gnomAD 0.00001; gnomAD exomes 0.00001 and 0.00002; ExAC 0.00004.
gnomAD v4.1: 21 of 1,613,864 alleles (0.0013%); highest among the groups gnomAD compares: South Asian, 0.0055%; no homozygotes.

Submissions (4):

Labcorp Genetics (formerly Invitae), Labcorp
Classification: Likely benign for Spastic paraplegia. Last evaluated: 2025-10-22. Review status: criteria provided, single submitter. Criteria: Invitae Variant Classification Sherloc (09022015). Collection method: clinical testing. Allele origin: germline.

CeGaT Center for Human Genetics Tuebingen
Classification: Uncertain significance. Last evaluated: 2025-02-01. Review status: criteria provided, single submitter. Criteria: CeGaT Center For Human Genetics Tuebingen Variant Classification Criteria Version 2. Collection method: clinical testing. Allele origin: germline. Affected: yes. Observed: 1 variant allele.

Ambry Genetics
Classification: Uncertain significance for Inborn genetic diseases. Last evaluated: 2024-09-25. Review status: criteria provided, single submitter. Criteria: Ambry Variant Classification Scheme 2023. Collection method: clinical testing. Allele origin: germline.

Women's Health and Genetics/Laboratory Corporation of America, LabCorp
Classification: Uncertain significance. Last evaluated: 2024-05-28. Review status: criteria provided, single submitter. Criteria: LabCorp Variant Classification Summary - May 2015. Collection method: clinical testing. Allele origin: germline.
Comment: Variant summary: KIF5A c.2134C>T (p.Arg712Trp) results in a non-conservative amino acid change in the encoded protein sequence. Four of five in-silico tools predict a damaging effect of the variant on protein function. The variant allele was found at a frequency of 2e-05 in 250826 control chromosomes (gnomAD). The available data on variant occurrences in the general population are insufficient to allow any conclusion about variant significance. To our knowledge, no occurrence of c.2134C>T in individuals affected with KIF5A-Related Disorders and no experimental evidence demonstrating its impact on protein function have been reported. ClinVar contains an entry for this variant (Variation ID: 1395366). Based on the evidence outlined above, the variant was classified as uncertain significance.